The following is an entry in ClinVar:

ClinVar aggregate classification (germline): Benign. Review status: criteria provided, multiple submitters, no conflicts (2 of 4 stars). 5 submissions from 5 submitters: Benign (4). 1 of the submissions does not count toward it. Last evaluated 2026-02-04.

Conditions:
Combined deficiency of sialidase AND beta galactosidase (GSL). Also called: CATHEPSIN A DEFICIENCY; GOLDBERG SYNDROME; NEURAMINIDASE DEFICIENCY WITH BETA-GALACTOSIDASE DEFICIENCY; NEURAMINIDASE/BETA-GALACTOSIDASE EXPRESSION; PPCA DEFICIENCY; PROTECTIVE PROTEIN/CATHEPSIN A DEFICIENCY. Identifiers: Orphanet 351, MedGen C0268233, MONDO:0009737, OMIM 256540.

Allele frequency attached by ClinVar (database versions not stated): gnomAD exomes 0.00171; 1000 Genomes Project 0.01418; 1000 Genomes Project 30x 0.01546; gnomAD 0.01568; ESP Exome Variant Server 0.01745; TOPMed 0.01759.
gnomAD v4.1: 4,977 of 1,613,826 alleles (0.31%); highest among the groups gnomAD compares: African/African-American, 5.4%; 122 homozygotes.

Submissions (5):

Labcorp Genetics (formerly Invitae), Labcorp
Classification: Benign for Combined deficiency of sialidase AND beta galactosidase. Last evaluated: 2026-02-04. Review status: criteria provided, single submitter. Criteria: Invitae Variant Classification Sherloc (09022015). Collection method: clinical testing. Allele origin: germline.

GeneDx
Classification: Benign. Last evaluated: 2020-02-03. Review status: criteria provided, single submitter. Criteria: GeneDx Variant Classification Process June 2021. Collection method: clinical testing. Allele origin: germline. Affected: yes.

Illumina Laboratory Services, Illumina
Classification: Benign for Combined deficiency of sialidase AND beta galactosidase. Last evaluated: 2018-01-13. Review status: criteria provided, single submitter. Criteria: ICSL Variant Classification Criteria 13 December 2019. Collection method: clinical testing. Allele origin: germline.
Comment: This variant was observed in the ICSL laboratory as part of a predisposition screen in an ostensibly healthy population. It had not been previously curated by ICSL or reported in the Human Gene Mutation Database (HGMD: prior to June 1st, 2018), and was therefore a candidate for classification through an automated scoring system. Utilizing variant allele frequency, disease prevalence and penetrance estimates, and inheritance mode, an automated score was calculated to assess if this variant is too frequent to cause the disease. Based on the score and internal cut-off values, a variant classified as benign is not then subjected to further curation. The score for this variant resulted in a classification of benign for this disease.

Breakthrough Genomics
Classification: Benign. Review status: criteria provided, single submitter. Criteria: ACMG Guidelines, 2015. Collection method: not provided. Allele origin: germline. Inheritance: Autosomal recessive inheritance. Affected: yes.

Mayo Clinic Laboratories, Mayo Clinic
Classification: Benign. Last evaluated: 2015-10-22. Review status: no assertion criteria provided. Collection method: clinical testing. Allele origin: unknown. Not counted in ClinVar's aggregate classification.

NM_000308.4(CTSA):c.1353G>A (p.Thr451=)

Gene: CTSA (cathepsin A; plus strand). Cytogenetic location: 20q13.12.
Variant type: single nucleotide variant.
Coding change: c.1353G>A on transcript NM_000308.4 (MANE Select); coding-DNA position 1353, G replaced by A.
Protein change: p.Thr451=; no amino-acid change (threonine 451 retained).
Molecular consequence: synonymous variant. On other transcripts: non-coding transcript variant (1).
Genome position (GRCh38, 1-based): chr20:45,898,103, G>A. VCF-style: chr20-45898103-G-A. GRCh37 (hg19) VCF-style: chr20-44526742-G-A.
Other names: c.1353G>A, p.Thr451= (NM_001127695.3); c.1302G>A, p.Thr434= (NM_001167594.3).
Identifiers: ClinVar variation 338540 (VCV000338540.20), dbSNP rs25649, ClinGen allele CA9883379.